The following is an entry in ClinVar:

NM_007294.4(BRCA1):c.445G>T (p.Glu149Ter)

Gene: BRCA1 (BRCA1 DNA repair associated; minus strand). Cytogenetic location: 17q21.31.
Variant type: single nucleotide variant.
Coding change: c.445G>T on transcript NM_007294.4 (MANE Select); coding-DNA position 445, G replaced by T.
Protein change: p.Glu149Ter; replaces glutamic acid 149 with a stop codon.
Molecular consequence: nonsense. On other transcripts: non-coding transcript variant (1).
Genome position (GRCh38, 1-based): chr17:43,099,877, C>A on the plus strand (G>T on the coding strand, the complement: BRCA1 is on the minus strand). VCF-style: chr17-43099877-C-A. GRCh37 (hg19) VCF-style: chr17-41251894-C-A.
Other names: c.364G>T, p.Glu122Ter (NM_001407659.1, NM_001407660.1, NM_001407661.1 and 6 more transcripts); c.367G>T, p.Glu123Ter (NM_001407663.1, NM_001407862.1, NM_001408409.1 and 12 more transcripts); c.445G>T, p.Glu149Ter (NM_001407664.1, NM_001407665.1, NM_001407666.1 and 97 more transcripts); c.442G>T, p.Glu148Ter (NM_001407670.1, NM_001407671.1, NM_001407672.1 and 65 more transcripts); c.304G>T, p.Glu102Ter (NM_001407692.1, NM_001407694.1, NM_001407695.1 and 61 more transcripts); c.301G>T, p.Glu101Ter (NM_001407740.1, NM_001407741.1, NM_001407742.1 and 35 more transcripts); c.232G>T, p.Glu78Ter (NM_001407853.1, NM_001407894.1, NM_001407895.1 and 18 more transcripts); c.235G>T, p.Glu79Ter (NM_001407879.1, NM_001407881.1, NM_001407882.1 and 37 more transcripts); and 4 more; short protein forms E149*, E102*, E146*, E101*, E123*, E148*, E21*, E22*.
Identifiers: ClinVar variation 417828 (VCV000417828.4), dbSNP rs876658381, ClinGen allele CA10601244.

ClinVar aggregate classification (germline): Pathogenic. Review status: reviewed by expert panel (3 of 4 stars). 3 submissions from 3 submitters: Pathogenic (1). 2 of the submissions do not count toward it. Last evaluated 2017-12-15.

Conditions:
Breast-ovarian cancer, familial, susceptibility to, 1 (BROVCA1). Also called: BRCA1 Hereditary Breast and Ovarian Cancer; OVARIAN CANCER, SUSCEPTIBILITY TO. Identifiers: Orphanet 145, MedGen C2676676, MONDO:0011450, OMIM 604370. Disease mechanism: loss of function.
Ovarian carcinoma. Identifiers: MedGen C4721610, MONDO:0005140, HP:0025318.

Submissions (3):

Evidence-based Network for the Interpretation of Germline Mutant Alleles (ENIGMA)
Classification: Pathogenic for Breast-ovarian cancer, familial, susceptibility to, 1. Last evaluated: 2017-12-15. Review status: reviewed by expert panel. Criteria: ENIGMA BRCA1/2 Classification Criteria (2017-06-29). Collection method: curation. Allele origin: germline. Study: ENIGMA.
Comment: Variant allele predicted to encode a truncated non-functional protein.

Department of Medical Genetics, Oslo University Hospital
Classification: Pathogenic for Breast-ovarian cancer, familial, susceptibility to, 1. Last evaluated: 2015-04-15. Review status: criteria provided, single submitter. Criteria: ACMG Guidelines, 2015. Collection method: clinical testing. Allele origin: germline. Affected: yes. Observed: 2 variant alleles. Not counted in ClinVar's aggregate classification.

Medical Genetics Laboratory, Umraniye Training and Research Hospital, University of Health Sciences
Classification: Pathogenic for Ovarian carcinoma. Last evaluated: 2021-08-23. Review status: no assertion criteria provided. Collection method: clinical testing. Allele origin: germline. Affected: yes. Observed: 1 variant allele, 1 heterozygote. Not counted in ClinVar's aggregate classification.
Comment: Ovarian Cancer